The following is an entry in ClinVar:

NM_021614.4(KCNN2):c.1054A>G (p.Ile352Val)

Gene: KCNN2 (potassium calcium-activated channel subfamily N member 2; plus strand). Cytogenetic location: 5q22.3.
Variant type: single nucleotide variant.
Coding change: c.1054A>G on transcript NM_021614.4 (MANE Select); coding-DNA position 1054, A replaced by G.
Protein change: p.Ile352Val; replaces isoleucine 352 with valine.
Molecular consequence: missense variant. On other transcripts: non-coding transcript variant (1).
Genome position (GRCh38, 1-based): chr5:114,363,193, A>G. VCF-style: chr5-114363193-A-G. GRCh37 (hg19) VCF-style: chr5-113698890-A-G.
Other names: c.1252A>G, p.Ile418Val (NM_001372233.1); short protein forms I352V, I418V.
Identifiers: ClinVar variation 2632011 (VCV002632011.1), dbSNP rs2531555021, ClinGen allele CA360703861.

ClinVar aggregate classification (germline): Uncertain significance (1 of 4 stars; one submission).

Conditions:
KCNN2-related disorder. Also called: KCNN2-related condition; KCNN2-Related Disorders.

Submission:

PreventionGenetics, part of Exact Sciences
Classification: Uncertain significance for KCNN2-related condition. Last evaluated: 2023-03-18. Review status: criteria provided, single submitter. Criteria: ACMG Guidelines, 2015. Collection method: clinical testing. Allele origin: germline.
Comment: The KCNN2 c.418A>G variant is predicted to result in the amino acid substitution p.Ile140Val. To our knowledge, this variant has not been reported in the literature or in a large population database, indicating this variant is rare. At this time, the clinical significance of this variant is uncertain due to the absence of conclusive functional and genetic evidence.